The following is an entry in ClinVar:

ClinVar aggregate classification (germline): Uncertain significance. Review status: criteria provided, multiple submitters, no conflicts (2 of 4 stars). 3 submissions from 3 submitters: Uncertain significance (3). Last evaluated 2025-04-01.

Conditions:
RASopathy. Also called: Noonan spectrum disorder; rasopathies. Identifiers: Orphanet 536391, MedGen C5555857, MONDO:0021060.
CBL-related disorder. Also called: NOONAN SYNDROME-LIKE DISORDER WITHOUT JUVENILE MYELOMONOCYTIC LEUKEMIA; CBL MUTATION-ASSOCIATED SYNDROME; CBL SYNDROME. Identifiers: Orphanet 363972, MedGen C3150803, MONDO:0013308, OMIM 613563.
Left ventricular noncompaction cardiomyopathy. Also called: left ventricular non-compaction cardiomyopathy. Identifiers: MedGen C4021133, HP:0011664.

Allele frequency attached by ClinVar (database versions not stated): gnomAD exomes 0.00001; TOPMed 0.00002; ESP Exome Variant Server 0.00008.
gnomAD v4.1: 13 of 1,614,048 alleles (0.00081%); highest among the groups gnomAD compares: South Asian, 0.0011%; no homozygotes.

Submissions (3):

Labcorp Genetics (formerly Invitae), Labcorp
Classification: Uncertain significance for RASopathy. Last evaluated: 2025-04-01. Review status: criteria provided, single submitter. Criteria: Invitae Variant Classification Sherloc (09022015). Collection method: clinical testing. Allele origin: germline.
Comment: This sequence change replaces methionine, which is neutral and non-polar, with valine, which is neutral and non-polar, at codon 269 of the CBL protein (p.Met269Val). This variant is present in population databases (rs372452974, gnomAD 0.003%). This missense change has been observed in individual(s) with left ventricular noncompaction (PMID: 31568572). ClinVar contains an entry for this variant (Variation ID: 691832). Invitae Evidence Modeling of protein sequence and biophysical properties (such as structural, functional, and spatial information, amino acid conservation, physicochemical variation, residue mobility, and thermodynamic stability) indicates that this missense variant is not expected to disrupt CBL protein function with a negative predictive value of 95%. In summary, the available evidence is currently insufficient to determine the role of this variant in disease. Therefore, it has been classified as a Variant of Uncertain Significance.

Centre of Medical Genetics, University Hospital Muenster
Classification: Uncertain significance for CBL-related disorder. Last evaluated: 2022-03-29. Review status: criteria provided, single submitter. Criteria: ACMG Guidelines, 2015. Collection method: clinical testing. Allele origin: germline. Affected: yes. Observed: 1 variant allele, 1 heterozygote.
Comment: ACMG categories: PM2

Klaassen Lab, Charite University Medicine Berlin
Classification: Uncertain significance for Left ventricular noncompaction cardiomyopathy. Last evaluated: 2019-07-03. Review status: criteria provided, single submitter. Criteria: ACMG Guidelines, 2015. Collection method: research. Allele origin: germline. Affected: yes.

Literature cited by the submitters: PubMed 31568572 (cited by Labcorp Genetics (formerly Invitae), Labcorp and Klaassen Lab, Charite University Medicine Berlin); PubMed 31333075 (cited by Klaassen Lab, Charite University Medicine Berlin).

NM_005188.4(CBL):c.805A>G (p.Met269Val)

Gene: CBL (Cbl proto-oncogene; plus strand). Cytogenetic location: 11q23.3.
Variant type: single nucleotide variant.
Coding change: c.805A>G on transcript NM_005188.4 (MANE Select); coding-DNA position 805, A replaced by G.
Protein change: p.Met269Val; replaces methionine 269 with valine.
Molecular consequence: missense variant.
Genome position (GRCh38, 1-based): chr11:119,274,889, A>G. VCF-style: chr11-119274889-A-G. GRCh37 (hg19) VCF-style: chr11-119145599-A-G.
Other names: short protein forms M269V.
Identifiers: ClinVar variation 691832 (VCV000691832.8), dbSNP rs372452974, ClinGen allele CA229660492.